The following is an entry in ClinVar:

NM_177438.3(DICER1):c.197C>G (p.Thr66Ser)

Gene: DICER1 (dicer 1, ribonuclease III; minus strand). Cytogenetic location: 14q32.13.
Variant type: single nucleotide variant.
Coding change: c.197C>G on transcript NM_177438.3 (MANE Select); coding-DNA position 197, C replaced by G.
Protein change: p.Thr66Ser; replaces threonine 66 with serine.
Molecular consequence: missense variant.
Genome position (GRCh38, 1-based): chr14:95,132,625, G>C on the plus strand (C>G on the coding strand, the complement: DICER1 is on the minus strand). VCF-style: chr14-95132625-G-C. GRCh37 (hg19) VCF-style: chr14-95598962-G-C.
Other names: c.197C>G, p.Thr66Ser (NM_001271282.3, NM_001291628.2, NM_001195573.1 and 1 more transcripts); short protein forms T66S.
Identifiers: ClinVar variation 938407 (VCV000938407.13), dbSNP rs777362732, ClinGen allele CA390890006.

ClinVar aggregate classification (germline): Uncertain significance. Review status: criteria provided, multiple submitters, no conflicts (2 of 4 stars). 3 submissions from 3 submitters: Uncertain significance (3). Last evaluated 2025-11-23.

Conditions:
Hereditary cancer-predisposing syndrome. Also called: Tumor predisposition; Hereditary neoplastic syndrome; Neoplastic Syndromes, Hereditary; Hereditary Cancer Syndrome. Identifiers: Orphanet 140162, MedGen C0027672, MeSH D009386, MONDO:0015356.
DICER1-related tumor predisposition. Also called: DICER1 syndrome; DICER1-related pleuropulmonary blastoma cancer predisposition syndrome. Identifiers: Orphanet 284343, MedGen C3839822, MONDO:0100216.

Submissions (3):

Labcorp Genetics (formerly Invitae), Labcorp
Classification: Uncertain significance for DICER1-related tumor predisposition. Last evaluated: 2025-11-23. Review status: criteria provided, single submitter. Criteria: Invitae Variant Classification Sherloc (09022015). Collection method: clinical testing. Allele origin: germline.
Comment: This sequence change replaces threonine, which is neutral and polar, with serine, which is neutral and polar, at codon 66 of the DICER1 protein (p.Thr66Ser). This variant is not present in population databases (gnomAD no frequency). This variant has not been reported in the literature in individuals affected with DICER1-related conditions. ClinVar contains an entry for this variant (Variation ID: 938407). Invitae Evidence Modeling of protein sequence and biophysical properties (such as structural, functional, and spatial information, amino acid conservation, physicochemical variation, residue mobility, and thermodynamic stability) indicates that this missense variant is not expected to disrupt DICER1 protein function with a negative predictive value of 95%. In summary, the available evidence is currently insufficient to determine the role of this variant in disease. Therefore, it has been classified as a Variant of Uncertain Significance.

GeneDx
Classification: Uncertain significance. Last evaluated: 2023-01-24. Review status: criteria provided, single submitter. Criteria: GeneDx Variant Classification Process June 2021. Collection method: clinical testing. Allele origin: germline. Affected: yes.
Comment: Not observed at significant frequency in large population cohorts (gnomAD); In silico analysis supports that this missense variant does not alter protein structure/function; Has not been previously published as pathogenic or benign to our knowledge

Ambry Genetics
Classification: Uncertain significance for Hereditary cancer-predisposing syndrome. Last evaluated: 2022-04-05. Review status: criteria provided, single submitter. Criteria: Ambry Variant Classification Scheme 2023. Collection method: clinical testing. Allele origin: germline.
Comment: The p.T66S variant (also known as c.197C>G), located in coding exon 2 of the DICER1 gene, results from a C to G substitution at nucleotide position 197. The threonine at codon 66 is replaced by serine, an amino acid with similar properties. This amino acid position is conserved. In addition, the in silico prediction for this alteration is inconclusive. Since supporting evidence is limited at this time, the clinical significance of this alteration remains unclear.